The following is an entry in ClinVar:

ClinVar aggregate classification (germline): Uncertain significance (1 of 4 stars; one submission).

Conditions:
PLXNA4-related disorder. Also called: PLXNA4-related condition.

Submission:

PreventionGenetics, part of Exact Sciences
Classification: Uncertain significance for PLXNA4-related condition. Last evaluated: 2025-09-11. Review status: criteria provided, single submitter. Criteria: ACMG Guidelines, 2015. Collection method: clinical testing. Allele origin: germline.
Comment: The PLXNA4 c.800C>T variant is predicted to result in the amino acid substitution p.Pro267Leu. To our knowledge, this variant has not been reported in the literature or in a large population database (gnomAD), indicating this variant is rare. At this time, the clinical significance of this variant is uncertain due to the absence of conclusive functional and genetic evidence.

NM_020911.2(PLXNA4):c.800C>T (p.Pro267Leu)

Gene: PLXNA4 (plexin A4; minus strand). Cytogenetic location: 7q32.3.
Variant type: single nucleotide variant.
Coding change: c.800C>T on transcript NM_020911.2 (MANE Select); coding-DNA position 800, C replaced by T.
Protein change: p.Pro267Leu; replaces proline 267 with leucine.
Molecular consequence: missense variant.
Genome position (GRCh38, 1-based): chr7:132,507,894, G>A on the plus strand (C>T on the coding strand, the complement: PLXNA4 is on the minus strand). VCF-style: chr7-132507894-G-A. GRCh37 (hg19) VCF-style: chr7-132192653-G-A.
Other names: c.800C>T, p.Pro267Leu (NM_001105543.2, NM_001393897.1, NM_181775.4); short protein forms P267L.
Identifiers: ClinVar variation 4995081 (VCV004995081.1).